The following is an entry in ClinVar:

NM_130839.5(UBE3A):c.2168T>G (p.Val723Gly)

Genes: SNHG14 (small nucleolar RNA host gene 14; plus strand), UBE3A (ubiquitin protein ligase E3A; minus strand). Cytogenetic location: 15q11.2.
Variant type: single nucleotide variant.
Coding change: c.2168T>G on transcript NM_130839.5 (MANE Select); coding-DNA position 2168, T replaced by G.
Protein change: p.Val723Gly; replaces valine 723 with glycine.
Molecular consequence: missense variant. On other transcripts: non-coding transcript variant (1), intron variant (3).
Genome position (GRCh38, 1-based): chr15:25,354,640, A>C on the plus strand (T>G on the coding strand, the complement: UBE3A is on the minus strand). VCF-style: chr15-25354640-A-C. GRCh37 (hg19) VCF-style: chr15-25599787-A-C.
Other names: c.2108T>G, p.Val703Gly (NM_001354539.2, NM_001354540.2, NM_001354541.2 and 14 more transcripts); c.1991T>G, p.Val664Gly (NM_001354546.2); c.1943T>G, p.Val648Gly (NM_001354549.2); c.917T>G, p.Val306Gly (NM_001354550.2); c.857T>G, p.Val286Gly (NM_001354551.2); c.2177T>G, p.Val726Gly (NM_000462.5); c.2168T>G, p.Val723Gly (NM_001354505.1, NM_001354538.2); c.2065-214T>G (NM_001354548.2, NM_001354547.2); and 1 more; short protein forms V306G, V723G, V648G, V726G, V286G, V664G, V703G.
Identifiers: ClinVar variation 2718005 (VCV002718005.3), dbSNP rs1200775881, ClinGen allele CA391351857.

ClinVar aggregate classification (germline): Uncertain significance (1 of 4 stars; one submission).

Conditions:
Angelman syndrome (AS). Also called: HAPPY PUPPET SYNDROME. Identifiers: Orphanet 72, MedGen C0162635, MONDO:0007113, OMIM 105830. Disease mechanism: loss of function. Inheritance: imprinting disorder, AS is caused by disruption of maternally imprinted UBE3A located within the 15q11.2-q13 Angelman syndrome/Prader-Willi syndrome (AS/PWS) region..

Submission:

Labcorp Genetics (formerly Invitae), Labcorp
Classification: Uncertain significance for Angelman syndrome. Last evaluated: 2023-06-16. Review status: criteria provided, single submitter. Criteria: Invitae Variant Classification Sherloc (09022015). Collection method: clinical testing. Allele origin: germline.
Comment: In summary, the available evidence is currently insufficient to determine the role of this variant in disease. Therefore, it has been classified as a Variant of Uncertain Significance. Algorithms developed to predict the effect of sequence changes on RNA splicing suggest that this variant may create or strengthen a splice site. Advanced modeling of protein sequence and biophysical properties (such as structural, functional, and spatial information, amino acid conservation, physicochemical variation, residue mobility, and thermodynamic stability) performed at Invitae indicates that this missense variant is expected to disrupt UBE3A protein function. This variant has not been reported in the literature in individuals affected with UBE3A-related conditions. This variant is not present in population databases (gnomAD no frequency). This sequence change replaces valine, which is neutral and non-polar, with glycine, which is neutral and non-polar, at codon 703 of the UBE3A protein (p.Val703Gly).